The following is an entry in ClinVar:

ClinVar aggregate classification (germline): Likely pathogenic. Review status: criteria provided, multiple submitters, no conflicts (2 of 4 stars). 3 submissions from 3 submitters: Likely pathogenic (3). Last evaluated 2023-06-23.

Conditions:
SLC52A2-related disorder. Also called: SLC52A2-related condition.
Brown-Vialetto-van Laere syndrome 2. Also called: Riboflavin transporter deficiency type 2; SPINOCEREBELLAR ATAXIA WITH BLINDNESS AND DEAFNESS 2. Identifiers: Orphanet 572543, Orphanet 97229, MedGen C3553538, MONDO:0013867, OMIM 614707.

Submissions (3):

Labcorp Genetics (formerly Invitae), Labcorp
Classification: Likely pathogenic for Brown-Vialetto-van Laere syndrome 2. Last evaluated: 2023-06-23. Review status: criteria provided, single submitter. Criteria: Invitae Variant Classification Sherloc (09022015). Collection method: clinical testing. Allele origin: germline.
Comment: This sequence change affects an acceptor splice site in intron 2 of the SLC52A2 gene. It is expected to disrupt RNA splicing. Variants that disrupt the donor or acceptor splice site typically lead to a loss of protein function (PMID: 16199547), and loss-of-function variants in SLC52A2 are known to be pathogenic (PMID: 24253200). This variant is present in population databases (rs782305211, gnomAD 0.002%). This variant has not been reported in the literature in individuals affected with SLC52A2-related conditions. ClinVar contains an entry for this variant (Variation ID: 580165). Algorithms developed to predict the effect of sequence changes on RNA splicing suggest that this variant may disrupt the consensus splice site. In summary, the currently available evidence indicates that the variant is pathogenic, but additional data are needed to prove that conclusively. Therefore, this variant has been classified as Likely Pathogenic.

Women's Health and Genetics/Laboratory Corporation of America, LabCorp
Classification: Likely pathogenic for Brown-Vialetto-van Laere syndrome 2. Last evaluated: 2023-06-22. Review status: criteria provided, single submitter. Criteria: LabCorp Variant Classification Summary - May 2015. Collection method: clinical testing. Allele origin: germline.
Comment: Variant summary: GPR172A c.131-1G>C is located in a canonical splice-site and is predicted to affect mRNA splicing resulting in a significantly altered protein due to either exon skipping, shortening, or inclusion of intronic material. Several computational tools predict a significant impact on normal splicing: Four predict the variant abolishes a canonical 3' splice acceptor site, and two predict the variant creates a nearby cryptic 3' acceptor site. However, these predictions have yet to be confirmed by functional studies. The variant allele was found at a frequency of 8e-06 in 250010 control chromosomes (gnomAD). To our knowledge, no occurrence of c.131-1G>C in individuals affected with Brown-Vialetto Laere Syndrome 2 and no experimental evidence demonstrating its impact on protein function have been reported. One submitter has cited a clinical-significance assessment for this variant to ClinVar after 2014 and has classified the variant as likely pathogenic. Based on the evidence outlined above, the variant was classified as likely pathogenic.

Blueprint Genetics
Classification: Likely pathogenic for SLC52A2-related disorders. Last evaluated: 2023-03-28. Review status: criteria provided, single submitter. Criteria: ACMG Guidelines, 2015. Collection method: clinical testing. Allele origin: germline. Affected: yes. Observed: 4 variant alleles.

Literature cited by the submitters: PubMed 16199547 (cited by Labcorp Genetics (formerly Invitae), Labcorp); PubMed 24253200 (cited by Labcorp Genetics (formerly Invitae), Labcorp).

NM_001363118.2(SLC52A2):c.131-1G>C

Gene: SLC52A2 (solute carrier family 52 member 2; plus strand). Cytogenetic location: 8q24.3.
Variant type: single nucleotide variant.
Coding change: c.131-1G>C on transcript NM_001363118.2 (MANE Select); the canonical splice acceptor site of the intron before coding-DNA position 131, G replaced by C.
Molecular consequence: splice acceptor variant. On other transcripts: intron variant (1).
Genome position (GRCh38, 1-based): chr8:144,359,622, G>C. VCF-style: chr8-144359622-G-C. GRCh37 (hg19) VCF-style: chr8-145583282-G-C.
Other names: c.131-1G>C (NM_001253816.2, NM_001363121.2, NM_001363120.2 and 2 more transcripts); c.130+199G>C (NM_001363122.2); c.-134-1G>C (NM_001410949.1).
Identifiers: ClinVar variation 580165 (VCV000580165.11), dbSNP rs782305211, ClinGen allele CA4938123.